The following is an entry in ClinVar:

NM_172351.3(CD46):c.179T>C (p.Val60Ala)

Gene: CD46 (CD46 molecule; plus strand). Cytogenetic location: 1q32.2.
Variant type: single nucleotide variant.
Coding change: c.179T>C on transcript NM_172351.3 (MANE Select); coding-DNA position 179, T replaced by C.
Protein change: p.Val60Ala; replaces valine 60 with alanine.
Molecular consequence: missense variant.
Genome position (GRCh38, 1-based): chr1:207,757,095, T>C. VCF-style: chr1-207757095-T-C. GRCh37 (hg19) VCF-style: chr1-207930440-T-C.
Other names: c.179T>C, p.Val60Ala (NM_002389.4, NM_153826.4, NM_172350.3 and 8 more transcripts); short protein forms V60A.
Identifiers: ClinVar variation 2635705 (VCV002635705.4), dbSNP rs1335748754, ClinGen allele CA344548072.

ClinVar aggregate classification (germline): Uncertain significance. Review status: criteria provided, multiple submitters, no conflicts (2 of 4 stars). 2 submissions from 2 submitters: Uncertain significance (2). Last evaluated 2023-05-23.

Conditions:
CD46-related disorder. Also called: CD46-related condition.

Allele frequency attached by ClinVar (database versions not stated): gnomAD exomes below 0.00001; TOPMed below 0.00001; gnomAD 0.00001.
gnomAD v4.1: 3 of 1,613,712 alleles (0.00019%); highest among the groups gnomAD compares: Non-Finnish European, 0.00025%; no homozygotes.

Submissions (2):

Labcorp Genetics (formerly Invitae), Labcorp
Classification: Uncertain significance. Last evaluated: 2023-05-23. Review status: criteria provided, single submitter. Criteria: Invitae Variant Classification Sherloc (09022015). Collection method: clinical testing. Allele origin: germline.
Comment: In summary, the available evidence is currently insufficient to determine the role of this variant in disease. Therefore, it has been classified as a Variant of Uncertain Significance. Advanced modeling of protein sequence and biophysical properties (such as structural, functional, and spatial information, amino acid conservation, physicochemical variation, residue mobility, and thermodynamic stability) performed at Invitae indicates that this missense variant is not expected to disrupt CD46 protein function. This variant has not been reported in the literature in individuals affected with CD46-related conditions. This variant is not present in population databases (gnomAD no frequency). This sequence change replaces valine, which is neutral and non-polar, with alanine, which is neutral and non-polar, at codon 60 of the CD46 protein (p.Val60Ala).

PreventionGenetics, part of Exact Sciences
Classification: Uncertain significance for CD46-related condition. Last evaluated: 2022-11-21. Review status: criteria provided, single submitter. Criteria: ACMG Guidelines, 2015. Collection method: clinical testing. Allele origin: germline.
Comment: The CD46 c.179T>C variant is predicted to result in the amino acid substitution p.Val60Ala. To our knowledge, this variant has not been reported in the literature or in a large population database, indicating this variant is rare. At this time, the clinical significance of this variant is uncertain due to the absence of conclusive functional and genetic evidence.